The following is an entry in ClinVar:

ClinVar aggregate classification (germline): Likely pathogenic. Review status: criteria provided, multiple submitters, no conflicts (2 of 4 stars). 5 submissions from 5 submitters: Likely pathogenic (3). 2 of the submissions do not count toward it. Last evaluated 2025-03-06.

Conditions:
THOC6-related disorder. Also called: THOC6-related condition.
THOC6-related developmental delay-microcephaly-facial dysmorphism syndrome. Also called: Beaulieu-Boycott-Innes syndrome; THOC6 Intellectual Disability Syndrome; Microcephaly, mental retardation, and distinctive facies, with cardiac and genitourinary malformations. Identifiers: Orphanet 363444, MedGen C3150939, MONDO:0013362, OMIM 613680.

Allele frequency attached by ClinVar (database versions not stated): gnomAD exomes below 0.00001; ExAC 0.00001; gnomAD 0.00001.
gnomAD v4.1: 3 of 1,614,036 alleles (0.00019%); highest among the groups gnomAD compares: Non-Finnish European, 0.00025%; no homozygotes.

Submissions (5):

GeneDx
Classification: Likely pathogenic. Last evaluated: 2025-03-06. Review status: criteria provided, single submitter. Criteria: GeneDx Variant Classification Process June 2021. Collection method: clinical testing. Allele origin: germline. Affected: yes.
Comment: Published functional studies demonstrate a damaging effect with protein mislocalized to the cytoplasm and increased levels of apoptosis (PMID: 23621916); Not observed at significant frequency in large population cohorts (gnomAD); In silico analysis supports that this missense variant has a deleterious effect on protein structure/function; This variant is associated with the following publications: (PMID: 27102954, 27247959, 30476144, 29851191, 27295358, 23621916)

Fulgent Genetics
Classification: Likely pathogenic for THOC6-related developmental delay-microcephaly-facial dysmorphism syndrome. Last evaluated: 2024-04-25. Review status: criteria provided, single submitter. Criteria: ACMG Guidelines, 2015. Collection method: clinical testing. Allele origin: germline.

Blueprint Genetics
Classification: Likely pathogenic for THOC6-related disorders. Last evaluated: 2024-04-19. Review status: criteria provided, single submitter. Criteria: ACMG Guidelines, 2015. Collection method: clinical testing. Allele origin: germline. Affected: yes. Observed: 5 variant alleles.

OMIM
Classification: Pathogenic for BEAULIEU-BOYCOTT-INNES SYNDROME. Last evaluated: 2013-04-26. Review status: no assertion criteria provided. Collection method: literature only. Allele origin: germline. Not counted in ClinVar's aggregate classification.

GeneReviews
No classification provided. Condition: THOC6-related developmental delay-microcephaly-facial dysmorphism syndrome. Review status: no classification provided. Collection method: literature only. Allele origin: germline. Not counted in ClinVar's aggregate classification.
Comment: Founder variant in the Hutterite population

Literature cited by the submitters: PubMed 23621916 (cited by OMIM and GeneReviews); PubMed 32790266 (cited by GeneReviews).

NM_024339.5(THOC6):c.136G>A (p.Gly46Arg)

Gene: THOC6 (THO complex subunit 6; plus strand). Cytogenetic location: 16p13.3.
Variant type: single nucleotide variant.
Coding change: c.136G>A on transcript NM_024339.5 (MANE Select); coding-DNA position 136, G replaced by A.
Protein change: p.Gly46Arg; replaces glycine 46 with arginine.
Molecular consequence: missense variant.
Genome position (GRCh38, 1-based): chr16:3,025,804, G>A. VCF-style: chr16-3025804-G-A. GRCh37 (hg19) VCF-style: chr16-3075805-G-A.
Other names: c.136G>A, p.Gly46Arg (NM_001142350.3, NM_001347704.2); c.64G>A, p.Gly22Arg (NM_001347703.2); short protein forms G46R, G22R.
Identifiers: ClinVar variation 64681 (VCV000064681.7), dbSNP rs587777030, ClinGen allele CA144732.